The following is an entry in ClinVar:

NM_002547.3(OPHN1):c.338T>C (p.Ile113Thr)

Gene: OPHN1 (oligophrenin 1; minus strand). Cytogenetic location: Xq12.
Variant type: single nucleotide variant.
Coding change: c.338T>C on transcript NM_002547.3 (MANE Select); coding-DNA position 338, T replaced by C.
Protein change: p.Ile113Thr; replaces isoleucine 113 with threonine.
Molecular consequence: missense variant.
Genome position (GRCh38, 1-based): chrX:68,274,784, A>G on the plus strand (T>C on the coding strand, the complement: OPHN1 is on the minus strand). VCF-style: chrX-68274784-A-G. GRCh37 (hg19) VCF-style: chrX-67494626-A-G.
Other names: short protein forms I113T.
Identifiers: ClinVar variation 1311521 (VCV001311521.3), dbSNP rs1016807298, ClinGen allele CA330823661.

ClinVar aggregate classification (germline): Uncertain significance (1 of 4 stars; one submission).

Allele frequency attached by ClinVar (database versions not stated): gnomAD 0.00001; gnomAD exomes 0.00002; TOPMed 0.00002.
gnomAD v4.1: 26 of 1,203,245 alleles (0.0022%); highest among the groups gnomAD compares: Non-Finnish European, 0.0029%; no homozygotes.

Submission:

GeneDx
Classification: Uncertain significance. Last evaluated: 2024-05-19. Review status: criteria provided, single submitter. Criteria: GeneDx Variant Classification Process June 2021. Collection method: clinical testing. Allele origin: germline. Affected: yes.
Comment: Has not been previously published as pathogenic or benign to our knowledge; Not observed at significant frequency in large population cohorts (gnomAD); In silico analysis supports that this missense variant has a deleterious effect on protein structure/function